The following is an entry in ClinVar:

NM_001113378.2(FANCI):c.1519C>T (p.Leu507Phe)

Gene: FANCI (FA complementation group I; plus strand). Cytogenetic location: 15q26.1.
Variant type: single nucleotide variant.
Coding change: c.1519C>T on transcript NM_001113378.2 (MANE Select); coding-DNA position 1519, C replaced by T.
Protein change: p.Leu507Phe; replaces leucine 507 with phenylalanine.
Molecular consequence: missense variant.
Genome position (GRCh38, 1-based): chr15:89,281,771, C>T. VCF-style: chr15-89281771-C-T. GRCh37 (hg19) VCF-style: chr15-89825002-C-T.
Other names: c.1240C>T, p.Leu414Phe (NM_001376910.1); c.1519C>T, p.Leu507Phe (NM_001376911.1, NM_018193.3); short protein forms L414F, L507F.
Identifiers: ClinVar variation 1347243 (VCV001347243.7), dbSNP rs762294213, ClinGen allele CA7723051.

ClinVar aggregate classification (germline): Uncertain significance. Review status: criteria provided, multiple submitters, no conflicts (2 of 4 stars). 2 submissions from 2 submitters: Uncertain significance (2). Last evaluated 2022-01-18.

Conditions:
Fanconi anemia (FA). Also called: Fanconi's anemia. Identifiers: Orphanet 84, MedGen C0015625, MeSH D005199, MONDO:0019391.
Fanconi anemia complementation group I (FANCI). Also called: FANCI-Related Fanconi Anemia. Identifiers: Orphanet 84, MedGen C1836861, MONDO:0012186, OMIM 609053.

Allele frequency attached by ClinVar (database versions not stated): gnomAD exomes below 0.00001 and 0.00001; ExAC 0.00001.
gnomAD v4.1: 3 of 1,613,902 alleles (0.00019%); highest among the groups gnomAD compares: South Asian, 0.0022%; no homozygotes.

Submissions (2):

Fulgent Genetics
Classification: Uncertain significance for Fanconi anemia complementation group I. Last evaluated: 2022-01-18. Review status: criteria provided, single submitter. Criteria: ACMG Guidelines, 2015. Collection method: clinical testing. Allele origin: unknown.

Labcorp Genetics (formerly Invitae), Labcorp
Classification: Uncertain significance for Fanconi anemia. Last evaluated: 2021-08-24. Review status: criteria provided, single submitter. Criteria: Invitae Variant Classification Sherloc (09022015). Collection method: clinical testing. Allele origin: germline.
Comment: This sequence change replaces leucine with phenylalanine at codon 507 of the FANCI protein (p.Leu507Phe). The leucine residue is highly conserved and there is a small physicochemical difference between leucine and phenylalanine. This variant is present in population databases (rs762294213, ExAC 0.006%). This variant has not been reported in the literature in individuals affected with FANCI-related conditions. Algorithms developed to predict the effect of missense changes on protein structure and function are either unavailable or do not agree on the potential impact of this missense change (SIFT: "Deleterious"; PolyPhen-2: "Possibly Damaging"; Align-GVGD: "Class C15"). In summary, the available evidence is currently insufficient to determine the role of this variant in disease. Therefore, it has been classified as a Variant of Uncertain Significance.